The following is an entry in ClinVar:

NM_004168.4(SDHA):c.428C>T (p.Thr143Met)

Gene: SDHA (succinate dehydrogenase complex flavoprotein subunit A; plus strand). Cytogenetic location: 5p15.33.
Variant type: single nucleotide variant.
Coding change: c.428C>T on transcript NM_004168.4 (MANE Select); coding-DNA position 428, C replaced by T.
Protein change: p.Thr143Met; replaces threonine 143 with methionine.
Molecular consequence: missense variant. On other transcripts: intron variant (1).
Genome position (GRCh38, 1-based): chr5:225,534, C>T. VCF-style: chr5-225534-C-T. GRCh37 (hg19) VCF-style: chr5-225649-C-T.
Other names: c.428C>T, p.Thr143Met (NM_001330758.2); c.313-349C>T (NM_001294332.2); short protein forms T143M.
Identifiers: ClinVar variation 412367 (VCV000412367.18), dbSNP rs200675907, ClinGen allele CA16612048.

ClinVar aggregate classification (germline): Uncertain significance. Review status: criteria provided, multiple submitters, no conflicts (2 of 4 stars). 4 submissions from 4 submitters: Uncertain significance (4). Last evaluated 2026-01-19.

Conditions:
Mitochondrial complex II deficiency, nuclear type 1. Also called: SUCCINATE CoQ REDUCTASE DEFICIENCY. Identifiers: Orphanet 3208, MedGen C5700310, MONDO:0100294, OMIM 252011.
Pheochromocytoma/paraganglioma syndrome 5. Also called: SDHA-Related Hereditary Paraganglioma-Pheochromocytoma Syndrome; Paragangliomas 5. Identifiers: Orphanet 29072, MedGen C3279992, MONDO:0013602, OMIM 614165.
Hereditary cancer-predisposing syndrome. Also called: Neoplastic Syndromes, Hereditary; Hereditary Cancer Syndrome; Tumor predisposition; Hereditary neoplastic syndrome. Identifiers: Orphanet 140162, MedGen C0027672, MeSH D009386, MONDO:0015356.
Dilated cardiomyopathy 1GG (CMD1GG). Identifiers: Orphanet 154, MedGen C3150898, MONDO:0013339, OMIM 613642.

Allele frequency attached by ClinVar (database versions not stated): TOPMed below 0.00001.
gnomAD v4.1: 12 of 1,613,772 alleles (0.00074%); highest among the groups gnomAD compares: South Asian, 0.0022%; no homozygotes.

Submissions (4):

Labcorp Genetics (formerly Invitae), Labcorp
Classification: Uncertain significance for Pheochromocytoma/paraganglioma syndrome 5; Mitochondrial complex II deficiency, nuclear type 1. Last evaluated: 2026-01-19. Review status: criteria provided, single submitter. Criteria: Invitae Variant Classification Sherloc (09022015). Collection method: clinical testing. Allele origin: germline.
Comment: This sequence change replaces threonine, which is neutral and polar, with methionine, which is neutral and non-polar, at codon 143 of the SDHA protein (p.Thr143Met). This variant is present in population databases (rs200675907, gnomAD 0.0009%). This missense change has been observed in individual(s) with clinical features of SDHA-related conditions (PMID: 34750850). ClinVar contains an entry for this variant (Variation ID: 412367). Invitae Evidence Modeling of protein sequence and biophysical properties (such as structural, functional, and spatial information, amino acid conservation, physicochemical variation, residue mobility, and thermodynamic stability) has been performed for this missense variant. However, the output from this modeling did not meet the statistical confidence thresholds required to predict the impact of this variant on SDHA protein function. Experimental studies have shown that this missense change affects SDHA function (PMID: 28724664, 39321216). In summary, the available evidence is currently insufficient to determine the role of this variant in disease. Therefore, it has been classified as a Variant of Uncertain Significance.

Ambry Genetics
Classification: Uncertain significance for Hereditary cancer-predisposing syndrome. Last evaluated: 2024-02-22. Review status: criteria provided, single submitter. Criteria: Ambry Variant Classification Scheme 2023. Collection method: clinical testing. Allele origin: germline.
Comment: The p.T143M variant (also known as c.428C>T), located in coding exon 4 of the SDHA gene, results from a C to T substitution at nucleotide position 428. The threonine at codon 143 is replaced by methionine, an amino acid with similar properties. This variant was detected in a patient with apparently sporadic pheochromocytoma and was classified as a variant of uncertain significance by the authors. This patient was also found to carry a variant of uncertain significance in the SDHB gene as well (Parisien-La Salle S et al. Clin Endocrinol (Oxf), 2022 Jun;96:803-811). Functional studies in yeast demonstrated that this variant impairs SDHA activity (Bannon AE et al. Clin Cancer Res, 2017 Nov;23:6733-6743). This amino acid position is highly conserved in available vertebrate species. In addition, this alteration is predicted to be deleterious by in silico analysis. Based on the available evidence, the clinical significance of this alteration remains unclear.

Baylor Genetics
Classification: Uncertain significance for Dilated cardiomyopathy 1GG. Last evaluated: 2023-09-27. Review status: criteria provided, single submitter. Criteria: ACMG Guidelines, 2015. Collection method: clinical testing. Allele origin: unknown.

Genetic Services Laboratory, University of Chicago
Classification: Uncertain significance. Last evaluated: 2019-12-09. Review status: criteria provided, single submitter. Criteria: ACMG Guidelines, 2015. Collection method: clinical testing. Allele origin: germline. Affected: no.

Literature cited by the submitters: PubMed 34750850 (cited by Labcorp Genetics (formerly Invitae), Labcorp and Ambry Genetics); PubMed 28724664 (cited by Labcorp Genetics (formerly Invitae), Labcorp and Ambry Genetics); PubMed 39321216 (cited by Labcorp Genetics (formerly Invitae), Labcorp).